The following is an entry in ClinVar:

NM_000243.3(MEFV):c.1730C>T (p.Thr577Ile)

Genes: MEFV (MEFV innate immunity regulator, pyrin; minus strand), LOC126862264 (CDK7 strongly-dependent group 2 enhancer GRCh37_chr16:3293322-3294521; plus strand). Cytogenetic location: 16p13.3.
Variant type: single nucleotide variant.
Coding change: c.1730C>T on transcript NM_000243.3 (MANE Select); coding-DNA position 1730, C replaced by T.
Protein change: p.Thr577Ile; replaces threonine 577 with isoleucine.
Molecular consequence: missense variant.
Genome position (GRCh38, 1-based): chr16:3,244,283, G>A on the plus strand (C>T on the coding strand, the complement: MEFV is on the minus strand). VCF-style: chr16-3244283-G-A. GRCh37 (hg19) VCF-style: chr16-3294283-G-A.
Other names: c.1097C>T, p.Thr366Ile (NM_001198536.2); c.1730C>T (NM_000243.2); short protein forms T577I, T366I.
Identifiers: ClinVar variation 1461131 (VCV001461131.9), dbSNP rs1057516210, ClinGen allele CA394490501.

ClinVar aggregate classification (germline): Uncertain significance. Review status: criteria provided, multiple submitters, no conflicts (2 of 4 stars). 2 submissions from 2 submitters: Uncertain significance (2). Last evaluated 2024-11-06.

Conditions:
Familial Mediterranean fever (FMF). Also called: Periodic peritonitis; Benign paroxysmal peritonitis; POLYSEROSITIS, FAMILIAL PAROXYSMAL; POLYSEROSITIS, RECURRENT. Identifiers: Orphanet 342, MedGen C0031069, MONDO:0018088, OMIM 249100. Disease mechanism: gain of function.

Submissions (2):

GeneDx
Classification: Uncertain significance. Last evaluated: 2024-11-06. Review status: criteria provided, single submitter. Criteria: GeneDx Variant Classification Process June 2021. Collection method: clinical testing. Allele origin: germline. Affected: yes.
Comment: Observed as a de novo variant in a patient in published literature (PMID: 37432431); clinical information was not provided; Not observed at significant frequency in large population cohorts (gnomAD); In silico analysis supports that this missense variant has a deleterious effect on protein structure/function; This variant is associated with the following publications: (PMID: 37432431)

Labcorp Genetics (formerly Invitae), Labcorp
Classification: Uncertain significance for Familial Mediterranean fever. Last evaluated: 2024-02-24. Review status: criteria provided, single submitter. Criteria: Invitae Variant Classification Sherloc (09022015). Collection method: clinical testing. Allele origin: germline.
Comment: This sequence change replaces threonine, which is neutral and polar, with isoleucine, which is neutral and non-polar, at codon 577 of the MEFV protein (p.Thr577Ile). This variant is not present in population databases (gnomAD no frequency). This variant has not been reported in the literature in individuals affected with MEFV-related conditions. ClinVar contains an entry for this variant (Variation ID: 1461131). Algorithms developed to predict the effect of missense changes on protein structure and function output the following: SIFT: "Not Available"; PolyPhen-2: "Benign"; Align-GVGD: "Not Available". The isoleucine amino acid residue is found in multiple mammalian species, which suggests that this missense change does not adversely affect protein function. In summary, the available evidence is currently insufficient to determine the role of this variant in disease. Therefore, it has been classified as a Variant of Uncertain Significance.